The following is an entry in ClinVar:

ClinVar aggregate classification (germline): Uncertain significance. Review status: criteria provided, multiple submitters, no conflicts (2 of 4 stars). 3 submissions from 3 submitters: Uncertain significance (3). Last evaluated 2025-02-10.

Conditions:
Primary ciliary dyskinesia. Also called: Ciliary dyskinesia. Identifiers: Orphanet 244, MedGen C0008780, MONDO:0016575, HP:0012265.

Allele frequency attached by ClinVar (database versions not stated): gnomAD exomes below 0.00001.
gnomAD v4.1: 3 of 1,329,058 alleles (0.00023%); highest among the groups gnomAD compares: African/African-American, 0.0031%; no homozygotes.

Submissions (3):

GeneDx
Classification: Uncertain significance. Last evaluated: 2025-02-10. Review status: criteria provided, single submitter. Criteria: GeneDx Variant Classification Process June 2021. Collection method: clinical testing. Allele origin: germline. Affected: yes.
Comment: Not observed at significant frequency in large population cohorts (gnomAD); In silico analysis indicates that this missense variant does not alter protein structure/function; Has not been previously published as pathogenic or benign to our knowledge

Ambry Genetics
Classification: Uncertain significance for Primary ciliary dyskinesia. Last evaluated: 2024-06-25. Review status: criteria provided, single submitter. Criteria: Ambry Variant Classification Scheme 2023. Collection method: clinical testing. Allele origin: germline.

Labcorp Genetics (formerly Invitae), Labcorp
Classification: Uncertain significance for Primary ciliary dyskinesia. Last evaluated: 2021-03-29. Review status: criteria provided, single submitter. Criteria: Invitae Variant Classification Sherloc (09022015). Collection method: clinical testing. Allele origin: germline.
Comment: This sequence change replaces alanine with serine at codon 152 of the DNAAF5 protein (p.Ala152Ser). The alanine residue is weakly conserved and there is a moderate physicochemical difference between alanine and serine. The frequency data for this variant in the population databases is considered unreliable, as metrics indicate insufficient coverage at this position in the ExAC database. This variant has not been reported in the literature in individuals with DNAAF5-related conditions. Algorithms developed to predict the effect of missense changes on protein structure and function (SIFT, PolyPhen-2, Align-GVGD) all suggest that this variant is likely to be tolerated, but these predictions have not been confirmed by published functional studies and their clinical significance is uncertain. In summary, the available evidence is currently insufficient to determine the role of this variant in disease. Therefore, it has been classified as a Variant of Uncertain Significance.

NM_017802.4(DNAAF5):c.454G>T (p.Ala152Ser)

Genes: DNAAF5 (dynein axonemal assembly factor 5; plus strand), PRKAR1B (protein kinase cAMP-dependent type I regulatory subunit beta; minus strand). Cytogenetic location: 7p22.3.
Variant type: single nucleotide variant.
Coding change: c.454G>T on transcript NM_017802.4 (MANE Select); coding-DNA position 454, G replaced by T.
Protein change: p.Ala152Ser; replaces alanine 152 with serine.
Molecular consequence: missense variant. On other transcripts: non-coding transcript variant (1), intron variant (3).
Genome position (GRCh38, 1-based): chr7:727,174, G>T. VCF-style: chr7-727174-G-T. GRCh37 (hg19) VCF-style: chr7-766811-G-T.
Other names: c.-23+481C>A (NM_001164759.1); c.-23+416C>A (NM_001164758.2); c.-23+36C>A (NM_001164760.2); c.454G>T (NM_017802.3); short protein forms A152S.
Identifiers: ClinVar variation 1386429 (VCV001386429.10), dbSNP rs981760144, ClinGen allele CA366530705.
Genomic context (GRCh38, chr7:727,174, plus strand): 5'-CGCCGCCCGCCCGAGGCCTGTGAGGAGCTGCGCCTGGCGCTTGTGCAGCTGCTGGGCCTG[G>T]CCGTGGACCTGTGCGGCGCCGCGCTCGCGCCCCACCTGGACGACGCTCTGCGCGCGCTGC-3'
Protein context (NP_060272.3, residues 142-162): RLALVQLLGL[Ala152Ser]VDLCGAALAP